The following is an entry in ClinVar:

NM_002087.4(GRN):c.401C>T (p.Pro134Leu)

Gene: GRN (granulin precursor; plus strand). Cytogenetic location: 17q21.31.
Variant type: single nucleotide variant.
Coding change: c.401C>T on transcript NM_002087.4 (MANE Select); coding-DNA position 401, C replaced by T.
Protein change: p.Pro134Leu; replaces proline 134 with leucine.
Molecular consequence: missense variant.
Genome position (GRCh38, 1-based): chr17:44,350,279, C>T. VCF-style: chr17-44350279-C-T. GRCh37 (hg19) VCF-style: chr17-42427647-C-T.
Other names: short protein forms P134L.
Identifiers: ClinVar variation 1737093 (VCV001737093.8), dbSNP rs1302480844, ClinGen allele CA399762901.

ClinVar aggregate classification (germline): Uncertain significance. Review status: criteria provided, multiple submitters, no conflicts (2 of 4 stars). 3 submissions from 3 submitters: Uncertain significance (3). Last evaluated 2023-11-01.

Conditions:
Inborn genetic diseases. Identifiers: MedGen C0950123, MeSH D030342.
Neuronal ceroid lipofuscinosis 11. Also called: GRN-Related Neuronal Ceroid-Lipofuscinosis. Identifiers: Orphanet 314629, Orphanet 79262, MedGen C3539123, MONDO:0013866, OMIM 614706.
GRN-related frontotemporal lobar degeneration with Tdp43 inclusions (FTD2). Also called: DEMENTIA, HEREDITARY DYSPHASIC DISINHIBITION; FRONTOTEMPORAL LOBAR DEGENERATION WITH UBIQUITIN-POSITIVE INCLUSIONS; FTLD-TDP, GRN-RELATED; GRN Frontotemporal Dementia; FRONTOTEMPORAL DEMENTIA WITH TDP43 INCLUSIONS, GRN-RELATED. Identifiers: Orphanet 100070, Orphanet 282, MedGen C1843792, MONDO:0011842, OMIM 607485. Disease mechanism: loss of function.

Allele frequency attached by ClinVar (database versions not stated): gnomAD exomes below 0.00001; TOPMed below 0.00001; gnomAD 0.00002.
gnomAD v4.1: 7 of 1,613,684 alleles (0.00043%); highest among the groups gnomAD compares: African/African-American, 0.004%; no homozygotes.

Submissions (3):

Ambry Genetics
Classification: Uncertain significance for Inborn genetic diseases. Last evaluated: 2023-11-01. Review status: criteria provided, single submitter. Criteria: Ambry Variant Classification Scheme 2023. Collection method: clinical testing. Allele origin: germline.

Labcorp Genetics (formerly Invitae), Labcorp
Classification: Uncertain significance for Neuronal ceroid lipofuscinosis 11; GRN-related frontotemporal lobar degeneration with Tdp43 inclusions. Last evaluated: 2023-09-20. Review status: criteria provided, single submitter. Criteria: Invitae Variant Classification Sherloc (09022015). Collection method: clinical testing. Allele origin: germline.
Comment: In summary, the available evidence is currently insufficient to determine the role of this variant in disease. Therefore, it has been classified as a Variant of Uncertain Significance. Advanced modeling of protein sequence and biophysical properties (such as structural, functional, and spatial information, amino acid conservation, physicochemical variation, residue mobility, and thermodynamic stability) performed at Invitae indicates that this missense variant is expected to disrupt GRN protein function. ClinVar contains an entry for this variant (Variation ID: 1737093). This variant has not been reported in the literature in individuals affected with GRN-related conditions. This variant is present in population databases (no rsID available, gnomAD 0.0009%). This sequence change replaces proline, which is neutral and non-polar, with leucine, which is neutral and non-polar, at codon 134 of the GRN protein (p.Pro134Leu).

Blueprint Genetics
Classification: Uncertain significance. Last evaluated: 2020-01-09. Review status: criteria provided, single submitter. Criteria: ACMG Guidelines, 2015. Collection method: clinical testing. Allele origin: germline.

Literature cited by the submitters: PubMed 16950801 (cited by Ambry Genetics); PubMed 17345602 (cited by Ambry Genetics); PubMed 29149916 (cited by Ambry Genetics).